The following is an entry in ClinVar:

ClinVar aggregate classification (germline): Uncertain significance (1 of 4 stars; one submission).

Conditions:
Cranioectodermal dysplasia 1 (CED1). Also called: LEVIN SYNDROME I. Identifiers: Orphanet 1515, MedGen C0432235, MONDO:0021093, OMIM 218330.

Allele frequency attached by ClinVar (database versions not stated): gnomAD exomes below 0.00001; gnomAD 0.00001; TOPMed 0.00001; ExAC 0.00002; ESP Exome Variant Server 0.00008.
gnomAD v4.1: 7 of 1,613,108 alleles (0.00043%); highest among the groups gnomAD compares: African/African-American, 0.0093%; no homozygotes.

Submission:

Labcorp Genetics (formerly Invitae), Labcorp
Classification: Uncertain significance for Cranioectodermal dysplasia 1. Last evaluated: 2022-11-08. Review status: criteria provided, single submitter. Criteria: Invitae Variant Classification Sherloc (09022015). Collection method: clinical testing. Allele origin: germline.
Comment: This sequence change replaces glycine, which is neutral and non-polar, with valine, which is neutral and non-polar, at codon 873 of the IFT122 protein (p.Gly873Val). This variant is present in population databases (rs139511074, gnomAD 0.008%). This variant has not been reported in the literature in individuals affected with IFT122-related conditions. Advanced modeling of protein sequence and biophysical properties (such as structural, functional, and spatial information, amino acid conservation, physicochemical variation, residue mobility, and thermodynamic stability) performed at Invitae indicates that this missense variant is not expected to disrupt IFT122 protein function. In summary, the available evidence is currently insufficient to determine the role of this variant in disease. Therefore, it has been classified as a Variant of Uncertain Significance.

NM_052989.3(IFT122):c.2465G>T (p.Gly822Val)

Gene: IFT122 (intraflagellar transport 122; plus strand). Cytogenetic location: 3q22.1.
Variant type: single nucleotide variant.
Coding change: c.2465G>T on transcript NM_052989.3 (MANE Select); coding-DNA position 2465, G replaced by T.
Protein change: p.Gly822Val; replaces glycine 822 with valine.
Molecular consequence: missense variant.
Genome position (GRCh38, 1-based): chr3:129,502,800, G>T. VCF-style: chr3-129502800-G-T. GRCh37 (hg19) VCF-style: chr3-129221643-G-T.
Other names: c.2078G>T, p.Gly693Val (NM_001410817.1); c.2288G>T, p.Gly763Val (NM_018262.4, NM_001410810.1); c.2618G>T, p.Gly873Val (NM_052985.4); c.2132G>T, p.Gly711Val (NM_052990.3, NM_001410815.1); c.2441G>T, p.Gly814Val (NM_001280541.2); c.2015G>T, p.Gly672Val (NM_001280545.2); c.1838G>T, p.Gly613Val (NM_001280546.2); c.2465G>T, p.Gly822Val (NM_001410808.1); and 2 more; short protein forms G693V, G763V, G873V, G613V, G672V, G745V, G822V, G711V.
Identifiers: ClinVar variation 2870014 (VCV002870014.3), dbSNP rs139511074, ClinGen allele CA2606529.